The following is an entry in ClinVar:

NM_014297.5(ETHE1):c.388del (p.Arg130fs)

Gene: ETHE1 (ETHE1 persulfide dioxygenase; minus strand). Cytogenetic location: 19q13.31.
Variant type: Deletion.
Coding change: c.388del on transcript NM_014297.5 (MANE Select); coding-DNA position 388, one base deleted (A; older notation c.388delA).
Protein change: p.Arg130fs; shifts the reading frame from arginine 130.
Molecular consequence: frameshift variant.
Genome position (GRCh38, 1-based): chr19:43,511,554, T deleted on the plus strand (A on the coding strand, the reverse complement: ETHE1 is on the minus strand). VCF-style (leftmost placement, unchanged base first): chr19-43511553-CT-C. GRCh37 (hg19) VCF-style: chr19-44015705-CT-C.
Other names: c.355del, p.Arg119fs (NM_001320867.2); c.19del, p.Arg7fs (NM_001320868.2); c.94del, p.Arg32fs (NM_001320869.2); c.388delA (NM_014297.4); short protein forms R119fs, R130fs, R32fs, R7fs.
Identifiers: ClinVar variation 2675145 (VCV002675145.6), dbSNP rs1236038385, ClinGen allele CA633261299.

ClinVar aggregate classification (germline): Pathogenic/Likely pathogenic. Review status: criteria provided, multiple submitters, no conflicts (2 of 4 stars). 3 submissions from 3 submitters: Pathogenic (2); Likely pathogenic (1). Last evaluated 2025-03-04.

Conditions:
Ethylmalonic encephalopathy (EE). Also called: EPEMA syndrome; Encephalopathy, petechiae, and ethylmalonic aciduria; Syndrome of encephalopathy, petechiae, and ethylmalonic aciduria. Identifiers: Orphanet 51188, MedGen C1865349, MONDO:0011229, OMIM 602473. Disease mechanism: loss of function.

Allele frequency attached by ClinVar (database versions not stated): gnomAD exomes below 0.00001; TOPMed below 0.00001; gnomAD 0.00001.

Submissions (3):

Natera, Inc.
Classification: Likely pathogenic for Ethylmalonic encephalopathy. Last evaluated: 2025-03-04. Review status: criteria provided, single submitter. Criteria: Natera Variant Classification Schema (03/2026). Collection method: clinical testing. Allele origin: germline.
Comment: The c.388delA variant in ETHE1 is a frameshift variant predicted to shift the reading frame beginning at codon 130 and leads to a stop codon 15 codons downstream. This variant is expected to result in nonsense mediated decay, truncation, or a dysfunctional protein product. This variant is rare in the general population with a frequency below the threshold expected for the associated phenotype(s). Given the available evidence, this variant is classified as Likely Pathogenic.

Baylor Genetics
Classification: Pathogenic for Ethylmalonic encephalopathy. Last evaluated: 2024-03-11. Review status: criteria provided, single submitter. Criteria: ACMG Guidelines, 2015. Collection method: clinical testing. Allele origin: unknown.

Labcorp Genetics (formerly Invitae), Labcorp
Classification: Pathogenic for Ethylmalonic encephalopathy. Last evaluated: 2023-08-25. Review status: criteria provided, single submitter. Criteria: Invitae Variant Classification Sherloc (09022015). Collection method: clinical testing. Allele origin: germline.
Comment: For these reasons, this variant has been classified as Pathogenic. This variant has not been reported in the literature in individuals affected with ETHE1-related conditions. This variant is present in population databases (no rsID available, gnomAD 0.007%). This sequence change creates a premature translational stop signal (p.Arg130Glyfs*15) in the ETHE1 gene. It is expected to result in an absent or disrupted protein product. Loss-of-function variants in ETHE1 are known to be pathogenic (PMID: 14732903, 19136963).

Literature cited by the submitters: PubMed 14732903 (cited by Labcorp Genetics (formerly Invitae), Labcorp); PubMed 19136963 (cited by Labcorp Genetics (formerly Invitae), Labcorp).